The following is an entry in ClinVar:

ClinVar aggregate classification (germline): Uncertain significance (1 of 4 stars; one submission).

gnomAD v4.1: 1 of 1,613,370 alleles (0.000062%); highest among the groups gnomAD compares: Non-Finnish European, 0.000085%; no homozygotes.

Submission:

GeneDx
Classification: Uncertain significance. Last evaluated: 2024-03-29. Review status: criteria provided, single submitter. Criteria: GeneDx Variant Classification Process June 2021. Collection method: clinical testing. Allele origin: germline. Affected: yes.
Comment: Has not been previously published as pathogenic or benign to our knowledge; Not observed at significant frequency in large population cohorts (gnomAD); In silico analysis supports that this missense variant has a deleterious effect on protein structure/function

NM_001127222.2(CACNA1A):c.3167G>C (p.Arg1056Pro)

Gene: CACNA1A (calcium voltage-gated channel subunit alpha1 A; minus strand). Cytogenetic location: 19p13.13.
Variant type: single nucleotide variant.
Coding change: c.3167G>C on transcript NM_001127222.2 (MANE Select); coding-DNA position 3167, G replaced by C.
Protein change: p.Arg1056Pro; replaces arginine 1056 with proline.
Molecular consequence: missense variant.
Genome position (GRCh38, 1-based): chr19:13,286,889, C>G on the plus strand (G>C on the coding strand, the complement: CACNA1A is on the minus strand). VCF-style: chr19-13286889-C-G. GRCh37 (hg19) VCF-style: chr19-13397703-C-G.
Other names: c.3179G>C, p.Arg1060Pro (NM_000068.4, NM_023035.3); c.3170G>C, p.Arg1057Pro (NM_001127221.2, NM_001174080.2); short protein forms R1056P, R1057P, R1060P.
Identifiers: ClinVar variation 3371920 (VCV003371920.1).